The following is an entry in ClinVar:

NM_000372.5(TYR):c.863T>C (p.Leu288Ser)

Gene: TYR (tyrosinase; plus strand). Cytogenetic location: 11q14.3.
Variant type: single nucleotide variant.
Coding change: c.863T>C on transcript NM_000372.5 (MANE Select); coding-DNA position 863, T replaced by C.
Protein change: p.Leu288Ser; replaces leucine 288 with serine.
Molecular consequence: missense variant.
Genome position (GRCh38, 1-based): chr11:89,191,245, T>C. VCF-style: chr11-89191245-T-C. GRCh37 (hg19) VCF-style: chr11-88924413-T-C.
Other names: c.863T>C (NM_000372.4); short protein forms L288S.
Identifiers: ClinVar variation 2137232 (VCV002137232.10), dbSNP rs1463109821, ClinGen allele CA382035768.

ClinVar aggregate classification (germline): Pathogenic/Likely pathogenic. Review status: criteria provided, multiple submitters, no conflicts (2 of 4 stars). 6 submissions from 6 submitters: Pathogenic (3); Likely pathogenic (3). Last evaluated 2025-11-11.

Conditions:
TYR-related disorder. Also called: TYR-related condition.
Albinism or congenital nystagmus.
SKIN/HAIR/EYE PIGMENTATION 3, LIGHT/DARK SKIN (SHEP3). Also called: SKIN/HAIR/EYE PIGMENTATION, VARIATION IN, 3; EYE COLOR 1; EYE COLOR, GREEN/BLUE; SKIN/HAIR/EYE PIGMENTATION 3, BLUE/GREEN EYE COLOR; SKIN/HAIR/EYE PIGMENTATION 3, FRECKLING. Identifiers: MedGen C2677190, OMIM 601800.

Allele frequency attached by ClinVar (database versions not stated): gnomAD 0.00001; gnomAD exomes below 0.00001.
gnomAD v4.1: 6 of 1,613,508 alleles (0.00037%); highest among the groups gnomAD compares: South Asian, 0.0022%; no homozygotes.

Submissions (6):

PreventionGenetics, part of Exact Sciences
Classification: Likely pathogenic for TYR-related condition. Last evaluated: 2025-11-11. Review status: criteria provided, single submitter. Criteria: ACMG Guidelines, 2015. Collection method: clinical testing. Allele origin: germline.
Comment: The TYR c.863T>C variant is predicted to result in the amino acid substitution p.Leu288Ser. This variant has been reported along with a predicted loss of function TYR variant in multiple individuals with oculocutaneous albinism (Oetting et al. 1994. PubMed ID: 8026428; Mauri et al. 2016. PubMed ID: 27734839) and in a large cohort study of retinal disease (Table S1, Karali et al. 2022. PubMed ID: 36460718). An alternate substitution of this amino acid residue (p.Leu288Phe) has also been reported in an individual with oculocutaneous albinism (Hutton et al. 2008. PubMed ID: 18463683). This variant is absent in a large population database (gnomAD). This variant is interpreted as likely pathogenic.

North West Genomic Laboratory Hub, Manchester University NHS Foundation Trust
Classification: Likely pathogenic for Albinism or congenital nystagmus. Last evaluated: 2024-11-22. Review status: criteria provided, single submitter. Criteria: ACGS Best Practice Guidelines for Variant Classification in Rare Disease 2024. Collection method: clinical testing. Allele origin: germline. Affected: yes.
Comment: PM2_Mod PM3_Str

Labcorp Genetics (formerly Invitae), Labcorp
Classification: Pathogenic. Last evaluated: 2024-09-09. Review status: criteria provided, single submitter. Criteria: Invitae Variant Classification Sherloc (09022015). Collection method: clinical testing. Allele origin: germline.
Comment: This sequence change replaces leucine, which is neutral and non-polar, with serine, which is neutral and polar, at codon 288 of the TYR protein (p.Leu288Ser). This variant is not present in population databases (gnomAD no frequency). This missense change has been observed in individuals with oculocutaneous albinism (PMID: 27734839). ClinVar contains an entry for this variant (Variation ID: 2137232). Invitae Evidence Modeling of protein sequence and biophysical properties (such as structural, functional, and spatial information, amino acid conservation, physicochemical variation, residue mobility, and thermodynamic stability) indicates that this missense variant is expected to disrupt TYR protein function with a positive predictive value of 80%. For these reasons, this variant has been classified as Pathogenic.

Baylor Genetics
Classification: Pathogenic for SKIN/HAIR/EYE PIGMENTATION 3, LIGHT/DARK SKIN. Last evaluated: 2024-03-08. Review status: criteria provided, single submitter. Criteria: ACMG Guidelines, 2015. Collection method: clinical testing. Allele origin: unknown.

Blueprint Genetics
Classification: Pathogenic for TYR-related disorders. Last evaluated: 2023-10-25. Review status: criteria provided, single submitter. Criteria: ACMG Guidelines, 2015. Collection method: clinical testing. Allele origin: germline. Affected: yes. Observed: 4 variant alleles.

GeneDx
Classification: Likely pathogenic. Last evaluated: 2023-01-06. Review status: criteria provided, single submitter. Criteria: GeneDx Variant Classification Process June 2021. Collection method: clinical testing. Allele origin: germline. Affected: yes.
Comment: Not observed at significant frequency in large population cohorts (gnomAD); In silico analysis supports that this missense variant has a deleterious effect on protein structure/function; Observed with a second TYR variant in a patient with oculocutaneous albinism in published literature, but it is not known whether the variants occurred on the same (in cis) or on different (in trans) chromosomes (Oetting et al., 1994); This variant is associated with the following publications: (PMID: 30868138, 8026428)

Literature cited by the submitters: PubMed 27734839 (cited by Labcorp Genetics (formerly Invitae), Labcorp).